The following is an entry in ClinVar:

ClinVar aggregate classification (germline): Benign/Likely benign. Review status: criteria provided, multiple submitters, no conflicts (2 of 4 stars). 5 submissions from 5 submitters: Benign (3); Likely benign (2). Last evaluated 2026-02-01.

Conditions:
Glycogen storage disease due to muscle and heart glycogen synthase deficiency. Also called: GSD 0b; MUSCLE GLYCOGEN SYNTHASE DEFICIENCY. Identifiers: Orphanet 137625, MedGen C1969054, MONDO:0012693, OMIM 611556.

Allele frequency attached by ClinVar (database versions not stated): ExAC 0.00413; gnomAD 0.00863 and 0.00912; ESP Exome Variant Server 0.00882; TOPMed 0.00955; 1000 Genomes Project 30x 0.00968; 1000 Genomes Project 0.00998.
gnomAD v4.1: 2,513 of 1,538,472 alleles (0.16%); highest among the groups gnomAD compares: African/African-American, 3%; 36 homozygotes.

Submissions (5):

Labcorp Genetics (formerly Invitae), Labcorp
Classification: Benign for Glycogen storage disease due to muscle and heart glycogen synthase deficiency. Last evaluated: 2026-02-01. Review status: criteria provided, single submitter. Criteria: Invitae Variant Classification Sherloc (09022015). Collection method: clinical testing. Allele origin: germline.

Blueprint Genetics
Classification: Likely benign. Last evaluated: 2024-11-27. Review status: criteria provided, single submitter. Criteria: ACMG Guidelines, 2015. Collection method: clinical testing. Allele origin: germline.

Mayo Clinic Laboratories, Mayo Clinic
Classification: Benign. Last evaluated: 2023-12-05. Review status: criteria provided, single submitter. Criteria: ACMG Guidelines, 2015. Collection method: clinical testing. Allele origin: germline. Observed: 8 variant alleles.
Comment: BS1, BS2, BP4, BP7

GeneDx
Classification: Benign. Last evaluated: 2017-12-26. Review status: criteria provided, single submitter. Criteria: GeneDx Variant Classification (06012015). Collection method: clinical testing. Allele origin: germline. Affected: yes.
Comment: This variant is considered likely benign or benign based on one or more of the following criteria: it is a conservative change, it occurs at a poorly conserved position in the protein, it is predicted to be benign by multiple in silico algorithms, and/or has population frequency not consistent with disease.

Breakthrough Genomics
Classification: Likely benign. Review status: criteria provided, single submitter. Criteria: ACMG Guidelines, 2015. Collection method: not provided. Allele origin: germline. Inheritance: Autosomal recessive inheritance. Affected: yes.

NM_002103.5(GYS1):c.1926G>A (p.Val642=)

Gene: GYS1 (glycogen synthase 1; minus strand). Cytogenetic location: 19q13.33.
Variant type: single nucleotide variant.
Coding change: c.1926G>A on transcript NM_002103.5 (MANE Select); coding-DNA position 1926, G replaced by A.
Protein change: p.Val642=; no amino-acid change (valine 642 retained).
Molecular consequence: synonymous variant. On other transcripts: non-coding transcript variant (1).
Genome position (GRCh38, 1-based): chr19:48,969,576, C>T on the plus strand (G>A on the coding strand, the complement: GYS1 is on the minus strand). VCF-style: chr19-48969576-C-T. GRCh37 (hg19) VCF-style: chr19-49472833-C-T.
Other names: p.Val642=; c.1734G>A, p.Val578= (NM_001161587.2).
Identifiers: ClinVar variation 329808 (VCV000329808.18), dbSNP rs5451, ClinGen allele CA9562724.